The following is an entry in ClinVar:

NM_020843.4(SCAPER):c.1535T>C (p.Ile512Thr)

Gene: SCAPER (S-phase cyclin A associated protein in the ER; minus strand). Cytogenetic location: 15q24.3.
Variant type: single nucleotide variant.
Coding change: c.1535T>C on transcript NM_020843.4 (MANE Select); coding-DNA position 1535, T replaced by C.
Protein change: p.Ile512Thr; replaces isoleucine 512 with threonine.
Molecular consequence: missense variant. On other transcripts: non-coding transcript variant (1).
Genome position (GRCh38, 1-based): chr15:76,765,415, A>G on the plus strand (T>C on the coding strand, the complement: SCAPER is on the minus strand). VCF-style: chr15-76765415-A-G. GRCh37 (hg19) VCF-style: chr15-77057756-A-G.
Other names: c.797T>C, p.Ile266Thr (NM_001145923.2); c.1553T>C, p.Ile518Thr (NM_001353009.2); c.1133T>C, p.Ile378Thr (NM_001353010.2, NM_001353012.2); c.1151T>C, p.Ile384Thr (NM_001353011.2); short protein forms I266T, I384T, I378T, I512T, I518T.
Identifiers: ClinVar variation 4984677 (VCV004984677.1).
Genomic context (GRCh38, chr15:76,765,415, plus strand): 5'-GAAAGTTTTTCATGCATGTGAATTCCATGCCCTGGAGGTCTAGCAGGTTCTTCTTCTACA[A>G]TGTCCCCCCAGGATGTATTTTGGCGCCAAGACTCACGAGCTGTTCAGAAAAAAATACTAT-3'
Protein context (NP_065894.2, residues 502-522): SWRQNTSWGD[Ile512Thr]VEEEPARPPG

ClinVar aggregate classification (germline): Uncertain significance (1 of 4 stars; one submission).

Conditions:
SCAPER-related disorder. Also called: SCAPER-related condition.

gnomAD v4.1: 1 of 1,613,942 alleles (0.000062%); highest among the groups gnomAD compares: Non-Finnish European, 0.000085%; no homozygotes.

Submission:

PreventionGenetics, part of Exact Sciences
Classification: Uncertain significance for SCAPER-related condition. Last evaluated: 2026-09-17. Review status: criteria provided, single submitter. Criteria: ACMG Guidelines, 2015. Collection method: clinical testing. Allele origin: germline.
Comment: The SCAPER c.1553T>C variant is predicted to result in the amino acid substitution p.Ile518Thr. To our knowledge, this variant has not been reported in the literature or in a large population database (gnomAD), indicating this variant is rare. At this time, the clinical significance of this variant is uncertain due to the absence of conclusive functional and genetic evidence.